The following is an entry in ClinVar:

NM_000400.4(ERCC2):c.1559A>G (p.Tyr520Cys)

Gene: ERCC2 (ERCC excision repair 2, TFIIH core complex helicase subunit; minus strand). Cytogenetic location: 19q13.32.
Variant type: single nucleotide variant.
Coding change: c.1559A>G on transcript NM_000400.4 (MANE Select); coding-DNA position 1559, A replaced by G.
Protein change: p.Tyr520Cys; replaces tyrosine 520 with cysteine.
Molecular consequence: missense variant.
Genome position (GRCh38, 1-based): chr19:45,354,836, T>C on the plus strand (A>G on the coding strand, the complement: ERCC2 is on the minus strand). VCF-style: chr19-45354836-T-C. GRCh37 (hg19) VCF-style: chr19-45858094-T-C.
Other names: short protein forms Y520C.
Identifiers: ClinVar variation 2445338 (VCV002445338.4), dbSNP rs2514006401, ClinGen allele CA406365573.

ClinVar aggregate classification (germline): Conflicting classifications of pathogenicity. Review status: criteria provided, conflicting classifications (1 of 4 stars). 2 submissions from 2 submitters: Likely pathogenic (1); Uncertain significance (1). Last evaluated 2022-11-06.

Conditions:
Inborn genetic diseases. Identifiers: MedGen C0950123, MeSH D030342.
Ovarian cancer. Also called: OVARIAN CANCER, SOMATIC. Identifiers: Orphanet 213500, MedGen C1140680, MONDO:0008170, OMIM 167000.

Submissions (2):

Ambry Genetics
Classification: Uncertain significance for Inborn genetic diseases. Last evaluated: 2022-11-06. Review status: criteria provided, single submitter. Criteria: Ambry Variant Classification Scheme 2023. Collection method: clinical testing. Allele origin: germline.
Comment: The p.Y520C variant (also known as c.1559A>G), located in coding exon 17 of the ERCC2 gene, results from an A to G substitution at nucleotide position 1559. The tyrosine at codon 520 is replaced by cysteine, an amino acid with highly dissimilar properties. This amino acid position is conserved. In addition, this alteration is predicted to be deleterious by in silico analysis. Since supporting evidence is limited at this time, the clinical significance of this alteration remains unclear.

Laboratory of Molecular Epidemiology of Birth Defects, West China Second University Hospital, Sichuan University
Classification: Likely pathogenic for Ovarian cancer. Last evaluated: 2022-01-01. Review status: criteria provided, single submitter. Criteria: ACMG Guidelines, 2015. Collection method: clinical testing. Allele origin: germline. Affected: yes.